The following is an entry in ClinVar:

NM_000094.4(COL7A1):c.3887G>A (p.Gly1296Asp)

Gene: COL7A1 (collagen type VII alpha 1 chain; minus strand). Cytogenetic location: 3p21.31.
Variant type: single nucleotide variant.
Coding change: c.3887G>A on transcript NM_000094.4 (MANE Select); coding-DNA position 3887, G replaced by A.
Protein change: p.Gly1296Asp; replaces glycine 1296 with aspartic acid.
Molecular consequence: missense variant.
Genome position (GRCh38, 1-based): chr3:48,585,564, C>T on the plus strand (G>A on the coding strand, the complement: COL7A1 is on the minus strand). VCF-style: chr3-48585564-C-T. GRCh37 (hg19) VCF-style: chr3-48622997-C-T.
Other names: short protein forms G1296D.
Identifiers: ClinVar variation 5004667 (VCV005004667.1).
Genomic context (GRCh38, chr3:48,585,564, plus strand): 5'-CGAGACAGCTTTGAGGAGTGCCTCAGAGAAACCTCGATGGTCTCCACACTCACCCTCTCG[C>T]CCTTGGCAGTGGCACTTCCAGGGGGCCCCTGGGGGCCGGGAGCACCGGTCCTGCCCTGAA-3'
Protein context (NP_000085.1, residues 1286-1306): QGPPGSATAK[Gly1296Asp]ERGFPGADGR

ClinVar aggregate classification (germline): Uncertain significance (1 of 4 stars; one submission).

Conditions:
Recessive dystrophic epidermolysis bullosa (RDEB). Also called: Epidermolysis Bullosa Distrophica Autosomal Recessive (RDEB); Recessive DEB (RDEB); DYSTROPHIC EPIDERMOLYSIS BULLOSA, AUTOSOMAL RECESSIVE; EPIDERMOLYSIS BULLOSA DYSTROPHICA, HALLOPEAU-SIEMENS TYPE; severe generalized recessive dystrophic epidermolysis bullosa; epidermolysis bullosa dystrophica, autosomal recessive. Identifiers: Orphanet 79408, Orphanet 79409, MedGen C0079474, MONDO:0009179, OMIM 226600.

gnomAD v4.1: 3 of 1,613,928 alleles (0.00019%); highest among the groups gnomAD compares: South Asian, 0.0011%; no homozygotes.

Submission:

Myriad Genetics, Inc.
Classification: Uncertain significance for Recessive dystrophic epidermolysis bullosa. Last evaluated: 2026-08-31. Review status: criteria provided, single submitter. Criteria: Myriad Autosomal Dominant, Autosomal Recessive and X-Linked Classification Criteria (2023). Collection method: clinical testing. Allele origin: unknown.
Comment: NM_000094.3(COL7A1):c.3887G>A(G1296D) is a missense variant classified as a variant of uncertain significance in the context of dystrophic epidermolysis bullosa. G1296D has not been observed in cases with relevant disease. Relevant functional assessments of this variant are not available in the literature. G1296D has not been observed in referenced population frequency databases. In summary, there is insufficient evidence to classify NM_000094.3(COL7A1):c.3887G>A(G1296D) as pathogenic or benign. Please note: this variant was assessed in the context of healthy population screening.